The following is an entry in ClinVar:

NM_000642.3(AGL):c.2339G>T (p.Arg780Ile)

Gene: AGL (amylo-alpha-1,6-glucosidase and 4-alpha-glucanotransferase; plus strand). Cytogenetic location: 1p21.2.
Variant type: single nucleotide variant.
Coding change: c.2339G>T on transcript NM_000642.3 (MANE Select); coding-DNA position 2339, G replaced by T.
Protein change: p.Arg780Ile; replaces arginine 780 with isoleucine.
Molecular consequence: missense variant.
Genome position (GRCh38, 1-based): chr1:99,884,150, G>T. VCF-style: chr1-99884150-G-T. GRCh37 (hg19) VCF-style: chr1-100349706-G-T.
Other names: c.2339G>T, p.Arg780Ile (NM_000028.3, NM_000643.3, NM_000644.3 and 2 more transcripts); c.2291G>T, p.Arg764Ile (NM_000646.3); c.2138G>T, p.Arg713Ile (NM_001425327.1); c.2135G>T, p.Arg712Ile (NM_001425328.1, NM_001425329.1); c.1961G>T, p.Arg654Ile (NM_001425332.1); short protein forms R764I, R780I, R654I, R712I, R713I.
Identifiers: ClinVar variation 1999791 (VCV001999791.4), dbSNP rs1374626127, ClinGen allele CA341320633.
Genomic context (GRCh38, chr1:99,884,150, plus strand): 5'-TTTTGTTAAAATGTTTTTATGTATTCCTAGGCAAAATTGAAGAAGTAGTTCTTGAAGCTA[G>T]AACTATTGAGAGAAACACGAAACCTTATAGGAAGGATGAGAATTCAATCAATGGAACACC-3'
Protein context (NP_000633.2, residues 770-790): GKIEEVVLEA[Arg780Ile]TIERNTKPYR

ClinVar aggregate classification (germline): Uncertain significance (1 of 4 stars; one submission).

Conditions:
Glycogen storage disease type III (GSD3). Also called: FORBES DISEASE; Cori disease. Identifiers: Orphanet 366, MedGen C0017922, MONDO:0009291, OMIM 232400.

Allele frequency attached by ClinVar (database versions not stated): TOPMed below 0.00001; gnomAD 0.00001.
gnomAD v4.1: 1 of 1,612,510 alleles (0.000062%); highest among the groups gnomAD compares: Non-Finnish European, 0.000085%; no homozygotes.

Submission:

Labcorp Genetics (formerly Invitae), Labcorp
Classification: Uncertain significance for Glycogen storage disease type III. Last evaluated: 2022-05-28. Review status: criteria provided, single submitter. Criteria: Invitae Variant Classification Sherloc (09022015). Collection method: clinical testing. Allele origin: germline.
Comment: This variant is not present in population databases (gnomAD no frequency). This variant has not been reported in the literature in individuals affected with AGL-related conditions. Algorithms developed to predict the effect of missense changes on protein structure and function (SIFT, PolyPhen-2, Align-GVGD) all suggest that this variant is likely to be tolerated. In summary, the available evidence is currently insufficient to determine the role of this variant in disease. Therefore, it has been classified as a Variant of Uncertain Significance. This sequence change replaces arginine, which is basic and polar, with isoleucine, which is neutral and non-polar, at codon 780 of the AGL protein (p.Arg780Ile).